The following is an entry in ClinVar:

NM_000814.6(GABRB3):c.136A>C (p.Lys46Gln)

Gene: GABRB3 (gamma-aminobutyric acid type A receptor subunit beta3; minus strand). Cytogenetic location: 15q12.
Variant type: single nucleotide variant.
Coding change: c.136A>C on transcript NM_000814.6 (MANE Select); coding-DNA position 136, A replaced by C.
Protein change: p.Lys46Gln; replaces lysine 46 with glutamine.
Molecular consequence: missense variant. On other transcripts: 5 prime UTR variant (1).
Genome position (GRCh38, 1-based): chr15:26,772,717, T>G on the plus strand (A>C on the coding strand, the complement: GABRB3 is on the minus strand). VCF-style: chr15-26772717-T-G. GRCh37 (hg19) VCF-style: chr15-27017864-T-G.
Other names: c.-216A>C (NM_001278631.2); c.136A>C, p.Lys46Gln (NM_021912.5); short protein forms K46Q.
Identifiers: ClinVar variation 377036 (VCV000377036.8), dbSNP rs1057520112, ClinGen allele CA16603241.

ClinVar aggregate classification (germline): Uncertain significance. Review status: criteria provided, multiple submitters, no conflicts (2 of 4 stars). 3 submissions from 3 submitters: Uncertain significance (3). Last evaluated 2023-07-19.

Conditions:
Epilepsy, childhood absence, susceptibility to, 5. Identifiers: Orphanet 64280, MedGen C2677087, MONDO:0012843, OMIM 612269.
Epilepsy, childhood absence, susceptibility to, 1. Also called: Epilepsy, childhood absence 1. Identifiers: Orphanet 64280, MedGen C1838604, MONDO:0020759, OMIM 600131.

Allele frequency attached by ClinVar (database versions not stated): gnomAD 0.00001; gnomAD exomes 0.00001.
gnomAD v4.1: 16 of 1,577,364 alleles (0.001%); highest among the groups gnomAD compares: Admixed American, 0.0018%; no homozygotes.

Submissions (3):

Labcorp Genetics (formerly Invitae), Labcorp
Classification: Uncertain significance for Epilepsy, childhood absence, susceptibility to, 5; Epilepsy, childhood absence, susceptibility to, 1. Last evaluated: 2023-07-19. Review status: criteria provided, single submitter. Criteria: Invitae Variant Classification Sherloc (09022015). Collection method: clinical testing. Allele origin: germline.
Comment: Advanced modeling of protein sequence and biophysical properties (such as structural, functional, and spatial information, amino acid conservation, physicochemical variation, residue mobility, and thermodynamic stability) has been performed at Invitae for this missense variant, however the output from this modeling did not meet the statistical confidence thresholds required to predict the impact of this variant on GABRB3 protein function. In summary, the available evidence is currently insufficient to determine the role of this variant in disease. Therefore, it has been classified as a Variant of Uncertain Significance. This sequence change replaces lysine, which is basic and polar, with glutamine, which is neutral and polar, at codon 46 of the GABRB3 protein (p.Lys46Gln). This variant is not present in population databases (gnomAD no frequency). This variant has not been reported in the literature in individuals affected with GABRB3-related conditions. ClinVar contains an entry for this variant (Variation ID: 377036).

Blueprint Genetics
Classification: Uncertain significance. Last evaluated: 2022-01-05. Review status: criteria provided, single submitter. Criteria: ACMG Guidelines, 2015. Collection method: clinical testing. Allele origin: germline.

Center for Pediatric Genomic Medicine, Children's Mercy Hospital and Clinics
Classification: Uncertain significance. Last evaluated: 2016-11-14. Review status: criteria provided, single submitter. Criteria: ACMG Guidelines, 2015. Collection method: clinical testing. Allele origin: germline.
ClinVar note: Converted during submission from Uncertain Significance to Uncertain significance.